The following is an entry in ClinVar:

NM_024675.4(PALB2):c.2220del (p.Gly741fs)

Gene: PALB2 (partner and localizer of BRCA2; minus strand). Cytogenetic location: 16p12.2.
Variant type: Deletion.
Coding change: c.2220del on transcript NM_024675.4 (MANE Select); coding-DNA position 2220, one base deleted (A; older notation c.2220delA).
Protein change: p.Gly741fs; shifts the reading frame from glycine 741.
Molecular consequence: frameshift variant.
Genome position (GRCh38, 1-based): chr16:23,629,934, T deleted on the plus strand (A on the coding strand, the reverse complement: PALB2 is on the minus strand); the first of 2 consecutive T bases (chr16:23,629,934-23,629,935); deleting either gives the same sequence. VCF-style (leftmost placement, unchanged base first): chr16-23629933-CT-C. GRCh37 (hg19) VCF-style: chr16-23641254-CT-C.
Other names: c.2220del (NM_024675.3); short protein forms G741fs.
Identifiers: ClinVar variation 820918 (VCV000820918.13), dbSNP rs1597089741, ClinGen allele CA915949186.

ClinVar aggregate classification (germline): Pathogenic. Review status: criteria provided, multiple submitters, no conflicts (2 of 4 stars). 2 submissions from 2 submitters: Pathogenic (2). Last evaluated 2019-05-11.

Conditions:
Hereditary cancer-predisposing syndrome. Also called: Neoplastic Syndromes, Hereditary; Tumor predisposition; Hereditary Cancer Syndrome; Hereditary neoplastic syndrome. Identifiers: Orphanet 140162, MedGen C0027672, MeSH D009386, MONDO:0015356.
Familial cancer of breast. Also called: BREAST CANCER, FAMILIAL; Hereditary breast cancer; hereditary breast carcinoma. Identifiers: Orphanet 227535, MedGen C0346153, MONDO:0016419, OMIM 114480. Disease mechanism: loss of function.

Submissions (2):

Labcorp Genetics (formerly Invitae), Labcorp
Classification: Pathogenic for Familial cancer of breast. Last evaluated: 2019-05-11. Review status: criteria provided, single submitter. Criteria: Invitae Variant Classification Sherloc (09022015). Collection method: clinical testing. Allele origin: germline.
Comment: This variant is not present in population databases (ExAC no frequency). This sequence change creates a premature translational stop signal (p.Gly741Alafs*23) in the PALB2 gene. It is expected to result in an absent or disrupted protein product. This variant has not been reported in the literature in individuals with PALB2-related conditions. Algorithms developed to predict the effect of sequence changes on RNA splicing suggest that this variant may create or strengthen a splice site, but this prediction has not been confirmed by published transcriptional studies. Loss-of-function variants in PALB2 are known to be pathogenic (PMID: 17200668, 24136930, 25099575). For these reasons, this variant has been classified as Pathogenic.

Ambry Genetics
Classification: Pathogenic for Hereditary cancer-predisposing syndrome. Last evaluated: 2018-12-14. Review status: criteria provided, single submitter. Criteria: Ambry Variant Classification Scheme 2023. Collection method: clinical testing. Allele origin: germline.
Comment: The c.2220delA pathogenic mutation, located in coding exon 5 of the PALB2 gene, results from a deletion of one nucleotide at nucleotide position 2220, causing a translational frameshift with a predicted alternate stop codon (p.G741Afs*23). This alteration is expected to result in loss of function by premature protein truncation or nonsense-mediated mRNA decay. As such, this alteration is interpreted as a disease-causing mutation.

Literature cited by the submitters: PubMed 17200668 (cited by Labcorp Genetics (formerly Invitae), Labcorp); PubMed 24136930 (cited by Labcorp Genetics (formerly Invitae), Labcorp); PubMed 25099575 (cited by Labcorp Genetics (formerly Invitae), Labcorp).